The following is an entry in ClinVar:

ClinVar aggregate classification (germline): Uncertain significance (1 of 4 stars; one submission).

Allele frequency attached by ClinVar (database versions not stated): gnomAD exomes below 0.00001.
gnomAD v4.1: 1 of 1,614,072 alleles (0.000062%); highest among the groups gnomAD compares: Non-Finnish European, 0.000085%; no homozygotes.

Submission:

CeGaT Center for Human Genetics Tuebingen
Classification: Uncertain significance. Last evaluated: 2023-12-01. Review status: criteria provided, single submitter. Criteria: CeGaT Center For Human Genetics Tuebingen Variant Classification Criteria Version 2. Collection method: clinical testing. Allele origin: germline. Affected: yes. Observed: 1 variant allele.
Comment: HIVEP2: PM2, BP4

NM_006734.4(HIVEP2):c.5167G>A (p.Ala1723Thr)

Gene: HIVEP2 (HIVEP zinc finger 2; minus strand). Cytogenetic location: 6q24.2.
Variant type: single nucleotide variant.
Coding change: c.5167G>A on transcript NM_006734.4 (MANE Select); coding-DNA position 5167, G replaced by A.
Protein change: p.Ala1723Thr; replaces alanine 1723 with threonine.
Molecular consequence: missense variant.
Genome position (GRCh38, 1-based): chr6:142,769,572, C>T on the plus strand (G>A on the coding strand, the complement: HIVEP2 is on the minus strand). VCF-style: chr6-142769572-C-T. GRCh37 (hg19) VCF-style: chr6-143090709-C-T.
Other names: short protein forms A1723T.
Identifiers: ClinVar variation 3026643 (VCV003026643.22), dbSNP rs2482816538, ClinGen allele CA365894427.